The following is an entry in ClinVar:

ClinVar aggregate classification (germline): Uncertain significance. Review status: criteria provided, multiple submitters, no conflicts (2 of 4 stars). 2 submissions from 2 submitters: Uncertain significance (2). Last evaluated 2022-03-23.

gnomAD v4.1: 1 of 1,392,678 alleles (0.000072%); highest among the groups gnomAD compares: Non-Finnish European, 0.000093%; no homozygotes.

Submissions (2):

Blueprint Genetics
Classification: Uncertain significance. Last evaluated: 2022-03-23. Review status: criteria provided, single submitter. Criteria: ACMG Guidelines, 2015. Collection method: clinical testing. Allele origin: germline.

GeneDx
Classification: Uncertain significance. Last evaluated: 2019-03-21. Review status: criteria provided, single submitter. Criteria: GeneDx Variant Classification Process June 2021. Collection method: clinical testing. Allele origin: germline. Affected: yes.
Comment: Not observed in large population cohorts (Lek et al., 2016); In silico analysis, which includes protein predictors and evolutionary conservation, supports that this variant does not alter protein structure/function; Has not been previously published as pathogenic or benign to our knowledge

NM_001190274.2(FBXO11):c.92C>T (p.Pro31Leu)

Genes: FBXO11 (F-box protein 11; minus strand), LOC100506235 (uncharacterized LOC100506235; plus strand). Cytogenetic location: 2p16.3.
Variant type: single nucleotide variant.
Coding change: c.92C>T on transcript NM_001190274.2 (MANE Select); coding-DNA position 92, C replaced by T.
Protein change: p.Pro31Leu; replaces proline 31 with leucine.
Molecular consequence: missense variant.
Genome position (GRCh38, 1-based): chr2:47,905,629, G>A on the plus strand (C>T on the coding strand, the complement: FBXO11 is on the minus strand). VCF-style: chr2-47905629-G-A. GRCh37 (hg19) VCF-style: chr2-48132768-G-A.
Other names: short protein forms P31L.
Identifiers: ClinVar variation 1308251 (VCV001308251.3), dbSNP rs1678749303, ClinGen allele CA346812837.